The following is an entry in ClinVar:

NM_007294.4(BRCA1):c.1868T>C (p.Leu623Pro)

Gene: BRCA1 (BRCA1 DNA repair associated; minus strand). Cytogenetic location: 17q21.31.
Variant type: single nucleotide variant.
Coding change: c.1868T>C on transcript NM_007294.4 (MANE Select); coding-DNA position 1868, T replaced by C.
Protein change: p.Leu623Pro; replaces leucine 623 with proline.
Molecular consequence: missense variant. On other transcripts: intron variant (137).
Genome position (GRCh38, 1-based): chr17:43,093,663, A>G on the plus strand (T>C on the coding strand, the complement: BRCA1 is on the minus strand). VCF-style: chr17-43093663-A-G. GRCh37 (hg19) VCF-style: chr17-41245680-A-G.
Other names: c.646+1081T>C (NM_001408469.1, NM_001408453.1, NM_001408461.1 and 11 more transcripts); c.784+1081T>C (NM_001408397.1, NM_001408401.1, NM_001408396.1 and 13 more transcripts); c.664+1081T>C (NM_001408436.1, NM_001408444.1, NM_001408438.1 and 12 more transcripts); c.787+1081T>C (NM_001407980.1, NM_001407993.1, NM_001407976.1 and 19 more transcripts); c.652+1081T>C (NM_001408451.1); c.643+1081T>C (NM_001408464.1, NM_001408468.1, NM_001408465.1 and 3 more transcripts); c.523+1081T>C (NM_001408498.1, NM_001408501.1, NM_001408500.1 and 3 more transcripts); c.583+1081T>C (NM_001408475.1); and 40 more; short protein forms L623P, L576P, L552P, L556P, L596P, L597P, L327P, L534P.
Identifiers: ClinVar variation 54373 (VCV000054373.16), dbSNP rs397508915, ClinGen allele CA001214.

ClinVar aggregate classification (germline): Conflicting classifications of pathogenicity. Review status: criteria provided, conflicting classifications (1 of 4 stars). 5 submissions from 5 submitters: Uncertain significance (4); Likely benign (1). Last evaluated 2024-10-26.

Conditions:
Hereditary cancer-predisposing syndrome. Also called: Neoplastic Syndromes, Hereditary; Tumor predisposition; Hereditary Cancer Syndrome; Hereditary neoplastic syndrome. Identifiers: Orphanet 140162, MedGen C0027672, MeSH D009386, MONDO:0015356.
Hereditary breast ovarian cancer syndrome. Also called: Hereditary breast and ovarian cancer syndrome; Hereditary breast and ovarian cancer; Hereditary breast and ovarian cancer syndrome (HBOC); Breast and ovarian cancer; Hereditary breast and/or ovarian cancer syndrome; BRCA1- and BRCA2-Associated Hereditary Breast and Ovarian Cancer. Identifiers: Orphanet 145, MedGen C0677776, MeSH D061325, MONDO:0003582. Disease mechanism: loss of function.

Allele frequency attached by ClinVar (database versions not stated): TOPMed below 0.00001; gnomAD 0.00001.
gnomAD v4.1: 1 of 1,614,030 alleles (0.000062%); highest among the groups gnomAD compares: Non-Finnish European, 0.000085%; no homozygotes.

Submissions (5):

Ambry Genetics
Classification: Uncertain significance for Hereditary cancer-predisposing syndrome. Last evaluated: 2024-10-26. Review status: criteria provided, single submitter. Criteria: Ambry Variant Classification Scheme 2023. Collection method: clinical testing. Allele origin: germline.
Comment: The p.L623P variant (also known as c.1868T>C), located in coding exon 9 of the BRCA1 gene, results from a T to C substitution at nucleotide position 1868. The leucine at codon 623 is replaced by proline, an amino acid with similar properties. In that same study, this alteration was not identified in any control samples (Maillet P et al. Cancer Genet. Cytogenet. 2006 Aug;169:62-8). This amino acid position is highly conserved in available vertebrate species. In addition, this alteration is predicted to be deleterious by in silico analysis. Based on the available evidence, the clinical significance of this variant remains unclear.

Labcorp Genetics (formerly Invitae), Labcorp
Classification: Uncertain significance for Hereditary breast ovarian cancer syndrome. Last evaluated: 2023-10-16. Review status: criteria provided, single submitter. Criteria: Invitae Variant Classification Sherloc (09022015). Collection method: clinical testing. Allele origin: germline.
Comment: This sequence change replaces leucine, which is neutral and non-polar, with proline, which is neutral and non-polar, at codon 623 of the BRCA1 protein (p.Leu623Pro). This variant is not present in population databases (gnomAD no frequency). This missense change has been observed in individual(s) with breast cancer (PMID: 16875939). This variant is also known as c.1987T>C. ClinVar contains an entry for this variant (Variation ID: 54373). Advanced modeling of protein sequence and biophysical properties (such as structural, functional, and spatial information, amino acid conservation, physicochemical variation, residue mobility, and thermodynamic stability) performed at Invitae indicates that this missense variant is not expected to disrupt BRCA1 protein function. In summary, the available evidence is currently insufficient to determine the role of this variant in disease. Therefore, it has been classified as a Variant of Uncertain Significance.

University of Washington Department of Laboratory Medicine, University of Washington
Classification: Likely benign for Hereditary cancer-predisposing syndrome. Last evaluated: 2023-03-23. Review status: criteria provided, single submitter. Criteria: Dines et al. (Genet Med. 2020). Collection method: curation. Allele origin: germline.
Comment: Missense variant in a coldspot region where missense variants are very unlikely to be pathogenic (PMID:31911673).

BRCA1 coldspot (exon 11 using historical exon numbering). Reclassification based on statistical prior probability

GeneDx
Classification: Uncertain significance. Last evaluated: 2018-07-06. Review status: criteria provided, single submitter. Criteria: GeneDx Variant Classification (06012015). Collection method: clinical testing. Allele origin: germline. Affected: yes.
Comment: This variant is denoted BRCA1 c.1868T>C at the cDNA level, p.Leu623Pro (L623P) at the protein level, and results in the change of a Leucine to a Proline (CTT>CCT). BRCA1 Leu623Pro was not observed in large population cohorts (Lek 2016). This variant is located in the DNA binding domain and a region known to interact with multiple other proteins (Narod 2004, Paul 2014). In silico analysis, which includes protein predictors and evolutionary conservation, supports a deleterious effect. Based on currently available evidence, it is unclear whether BRCA1 Leu623Pro is a pathogenic or benign variant. We consider it to be a variant of uncertain significance.

Mendelics
Classification: Uncertain significance for Hereditary breast and ovarian cancer syndrome. Last evaluated: 2018-07-02. Review status: criteria provided, single submitter. Criteria: Mendelics Assertion Criteria 2017. Collection method: clinical testing. Allele origin: unknown.

Literature cited by the submitters: PubMed 16875939 (cited by Ambry Genetics and Labcorp Genetics (formerly Invitae), Labcorp).